The following is an entry in ClinVar:

NM_015662.3(IFT172):c.1832C>A (p.Ala611Glu)

Gene: IFT172 (intraflagellar transport 172; minus strand). Cytogenetic location: 2p23.3.
Variant type: single nucleotide variant.
Coding change: c.1832C>A on transcript NM_015662.3 (MANE Select); coding-DNA position 1832, C replaced by A.
Protein change: p.Ala611Glu; replaces alanine 611 with glutamic acid.
Molecular consequence: missense variant.
Genome position (GRCh38, 1-based): chr2:27,465,516, G>T on the plus strand (C>A on the coding strand, the complement: IFT172 is on the minus strand). VCF-style: chr2-27465516-G-T. GRCh37 (hg19) VCF-style: chr2-27688383-G-T.
Other names: c.1766C>A, p.Ala589Glu (NM_001410739.1); short protein forms A589E, A611E.
Identifiers: ClinVar variation 4998209 (VCV004998209.1).

ClinVar aggregate classification (germline): Uncertain significance (1 of 4 stars; one submission).

Conditions:
IFT172-related disorder. Also called: IFT172-related condition; IFT172-related disorders.

gnomAD v4.1: 5 of 1,613,870 alleles (0.00031%); highest among the groups gnomAD compares: Middle Eastern, 0.049%; no homozygotes.

Submission:

PreventionGenetics, part of Exact Sciences
Classification: Uncertain significance for IFT172-related condition. Last evaluated: 2025-04-24. Review status: criteria provided, single submitter. Criteria: ACMG Guidelines, 2015. Collection method: clinical testing. Allele origin: germline.
Comment: The IFT172 c.1832C>A variant is predicted to result in the amino acid substitution p.Ala611Glu. To our knowledge, this variant has not been reported in the literature. This variant is reported in 0.0% of alleles in individuals of African descent in gnomAD. At this time, the clinical significance of this variant is uncertain due to the absence of conclusive functional and genetic evidence.